The following is an entry in ClinVar:

NM_002386.4(MC1R):c.856C>T (p.Leu286Phe)

Gene: MC1R (melanocortin 1 receptor; plus strand). Cytogenetic location: 16q24.3.
Variant type: single nucleotide variant.
Coding change: c.856C>T on transcript NM_002386.4 (MANE Select); coding-DNA position 856, C replaced by T.
Protein change: p.Leu286Phe; replaces leucine 286 with phenylalanine.
Molecular consequence: missense variant.
Genome position (GRCh38, 1-based): chr16:89,920,114, C>T. VCF-style: chr16-89920114-C-T. GRCh37 (hg19) VCF-style: chr16-89986522-C-T.
Other names: short protein forms L286F.
Identifiers: ClinVar variation 538159 (VCV000538159.8), dbSNP rs925012763, ClinGen allele CA286607695.
Genomic context (GRCh38, chr16:89,920,114, plus strand): 5'-CTCTGCCCCGAGCACCCCACGTGCGGCTGCATCTTCAAGAACTTCAACCTCTTTCTCGCC[C>T]TCATCATCTGCAATGCCATCATCGACCCCCTCATCTACGCCTTCCACAGCCAGGAGCTCC-3'
Protein context (NP_002377.4, residues 276-296): IFKNFNLFLA[Leu286Phe]IICNAIIDPL

ClinVar aggregate classification (germline): Uncertain significance (1 of 4 stars; one submission).

Conditions:
Melanoma, cutaneous malignant, susceptibility to, 5. Also called: Cutaneous malignant melanoma 5. Identifiers: Orphanet 618, MedGen C2751295, MONDO:0013133, OMIM 613099.

Allele frequency attached by ClinVar (database versions not stated): gnomAD exomes below 0.00001; TOPMed 0.00001.
gnomAD v4.1: 4 of 1,614,020 alleles (0.00025%); highest among the groups gnomAD compares: Admixed American, 0.0017%; no homozygotes.

Submission:

Labcorp Genetics (formerly Invitae), Labcorp
Classification: Uncertain significance for Melanoma, cutaneous malignant, susceptibility to, 5. Last evaluated: 2023-04-11. Review status: criteria provided, single submitter. Criteria: Invitae Variant Classification Sherloc (09022015). Collection method: clinical testing. Allele origin: germline.
Comment: Advanced modeling of protein sequence and biophysical properties (such as structural, functional, and spatial information, amino acid conservation, physicochemical variation, residue mobility, and thermodynamic stability) performed at Invitae indicates that this missense variant is not expected to disrupt MC1R protein function. ClinVar contains an entry for this variant (Variation ID: 538159). This variant has not been reported in the literature in individuals affected with MC1R-related conditions. This variant is present in population databases (no rsID available, gnomAD 0.003%). This sequence change replaces leucine, which is neutral and non-polar, with phenylalanine, which is neutral and non-polar, at codon 286 of the MC1R protein (p.Leu286Phe). In summary, the available evidence is currently insufficient to determine the role of this variant in disease. Therefore, it has been classified as a Variant of Uncertain Significance.